The following is an entry in ClinVar:

NM_000135.4(FANCA):c.4124C>T (p.Thr1375Ile)

Genes: FANCA (FA complementation group A; minus strand), ZNF276 (zinc finger protein 276; plus strand). Cytogenetic location: 16q24.3.
Variant type: single nucleotide variant.
Coding change: c.4124C>T on transcript NM_000135.4 (MANE Select); coding-DNA position 4124, C replaced by T.
Protein change: p.Thr1375Ile; replaces threonine 1375 with isoleucine.
Molecular consequence: missense variant. On other transcripts: 3 prime UTR variant (2), non-coding transcript variant (4).
Genome position (GRCh38, 1-based): chr16:89,739,176, G>A on the plus strand (C>T on the coding strand, the complement: FANCA is on the minus strand). VCF-style: chr16-89739176-G-A. GRCh37 (hg19) VCF-style: chr16-89805584-G-A.
Other names: c.4124C>T, p.Thr1375Ile (NM_001286167.3); c.*930G>A (NM_001113525.2, NM_152287.4); short protein forms T1375I.
Identifiers: ClinVar variation 1018631 (VCV001018631.8), dbSNP rs2062055389, ClinGen allele CA397484333.
Genomic context (GRCh38, chr16:89,739,176, plus strand): 5'-CTGGCCCTTGCACCTGCCTGACCCTTGAGCTCCAGGCTCCTGCCAGCTGGAGGTGAAACT[G>A]TGCTTGTATCCCCAGCCACGAAGAGCTGGACCAGCTTCAAGTACATGTCCACAGCAACAT-3'
Protein context (NP_000126.2, residues 1365-1385): VQLFVAGDTS[Thr1375Ile]VSPPAGRSLE

ClinVar aggregate classification (germline): Uncertain significance (1 of 4 stars; one submission).

Conditions:
Fanconi anemia (FA). Also called: Fanconi's anemia. Identifiers: Orphanet 84, MedGen C0015625, MeSH D005199, MONDO:0019391.

gnomAD v4.1: 3 of 1,614,148 alleles (0.00019%); highest among the groups gnomAD compares: Non-Finnish European, 0.00025%; no homozygotes.

Submission:

Labcorp Genetics (formerly Invitae), Labcorp
Classification: Uncertain significance for Fanconi anemia. Last evaluated: 2021-02-01. Review status: criteria provided, single submitter. Criteria: Invitae Variant Classification Sherloc (09022015). Collection method: clinical testing. Allele origin: germline.
Comment: Advanced modeling of protein sequence and biophysical properties (such as structural, functional, and spatial information, amino acid conservation, physicochemical variation, residue mobility, and thermodynamic stability) performed at Invitae indicates that this missense variant is not expected to disrupt FANCA protein function. This variant has not been reported in the literature in individuals with FANCA-related conditions. This variant is not present in population databases (ExAC no frequency). This sequence change replaces threonine with isoleucine at codon 1375 of the FANCA protein (p.Thr1375Ile). The threonine residue is weakly conserved and there is a moderate physicochemical difference between threonine and isoleucine. In summary, the available evidence is currently insufficient to determine the role of this variant in disease. Therefore, it has been classified as a Variant of Uncertain Significance.